The following is an entry in ClinVar:

NM_012431.3(SEMA3E):c.1109A>T (p.Tyr370Phe)

Gene: SEMA3E (semaphorin 3E; minus strand). Cytogenetic location: 7q21.11.
Variant type: single nucleotide variant.
Coding change: c.1109A>T on transcript NM_012431.3 (MANE Select); coding-DNA position 1109, A replaced by T.
Protein change: p.Tyr370Phe; replaces tyrosine 370 with phenylalanine.
Molecular consequence: missense variant.
Genome position (GRCh38, 1-based): chr7:83,402,666, T>A on the plus strand (A>T on the coding strand, the complement: SEMA3E is on the minus strand). VCF-style: chr7-83402666-T-A. GRCh37 (hg19) VCF-style: chr7-83031982-T-A.
Other names: c.929A>T, p.Tyr310Phe (NM_001178129.2); short protein forms Y310F, Y370F.
Identifiers: ClinVar variation 4998251 (VCV004998251.1).

ClinVar aggregate classification (germline): Uncertain significance (1 of 4 stars; one submission).

Conditions:
SEMA3E-related disorder. Also called: SEMA3E-related condition.

Submission:

PreventionGenetics, part of Exact Sciences
Classification: Uncertain significance for SEMA3E-related condition. Last evaluated: 2026-01-27. Review status: criteria provided, single submitter. Criteria: ACMG Guidelines, 2015. Collection method: clinical testing. Allele origin: germline.
Comment: The SEMA3E c.1109A>T variant is predicted to result in the amino acid substitution p.Tyr370Phe. To our knowledge, this variant has not been reported in the literature or in a large population database (gnomAD), indicating this variant is rare. At this time, the clinical significance of this variant is uncertain due to the absence of conclusive functional and genetic evidence.